The following is an entry in ClinVar:

ClinVar aggregate classification (germline): Pathogenic. Review status: criteria provided, single submitter (1 of 4 stars). 2 submissions from 2 submitters: Pathogenic (1). 1 of the submissions does not count toward it. Last evaluated 2015-05-13.

Conditions:
Tuberous sclerosis syndrome (TSC). Also called: Tuberous Sclerosis Complex; Tuberous sclerosis. Identifiers: Orphanet 805, MedGen C0041341, MONDO:0001734.

Submissions (2):

GeneDx
Classification: Pathogenic. Last evaluated: 2015-05-13. Review status: criteria provided, single submitter. Criteria: GeneDx Variant Classification (06012015). Collection method: clinical testing. Allele origin: germline. Affected: yes.
Comment: The c.4207delG deletion in the TSC2 gene has been reported previously multiple times inassociation with tuberous sclerosis complex (TSC) (Niida et al., 2001; TSC2 LOVD). The deletion causes a frameshift starting withcodon Aspartic acid 1403, changes this amino acid to a Threonine residue and creates apremature Stop codon at position 8 of the new reading frame, denoted p.Asp1403ThrfsX8.This variant is predicted to cause loss of normal protein function either through proteintruncation or nonsense-mediated mRNA decay. Therefore, we interpret c.4207delG as a pathogenic variant.

Tuberous sclerosis database (TSC2)
No classification provided. Condition: TSC. Review status: no classification provided. Criteria: Tuberous Sclerosis Database Assertion Criteria 2015. Collection method: curation. Allele origin: germline. Affected: yes. Not counted in ClinVar's aggregate classification.

NM_000548.5(TSC2):c.4207del (p.Asp1403fs)

Gene: TSC2 (TSC complex subunit 2; plus strand). Cytogenetic location: 16p13.3.
Variant type: Deletion.
Coding change: c.4207del on transcript NM_000548.5 (MANE Select); coding-DNA position 4207, one base deleted (G; older notation c.4207delG).
Protein change: p.Asp1403fs; shifts the reading frame from aspartic acid 1403.
Molecular consequence: frameshift variant.
Genome position (GRCh38, 1-based): chr16:2,084,429, G deleted; the last of 4 consecutive G bases (chr16:2,084,426-2,084,429); deleting any one gives the same sequence. VCF-style (leftmost placement, unchanged base first): chr16-2084425-TG-T. GRCh37 (hg19) VCF-style: chr16-2134426-TG-T.
Other names: c.4006del, p.Asp1336fs (NM_001077183.3); c.4138del, p.Asp1380fs (NM_001114382.3); c.3898del, p.Asp1300fs (NM_001318827.2); c.3862del, p.Asp1288fs (NM_001318829.2); c.3475del, p.Asp1159fs (NM_001318831.2); c.4039del, p.Asp1347fs (NM_001318832.2); c.4009del, p.Asp1337fs (NM_001363528.2); c.4075del, p.Asp1359fs (NM_001370404.1); and 1 more; short protein forms D1159fs, D1288fs, D1360fs, D1300fs, D1403fs, D1336fs, D1337fs, D1347fs.
Identifiers: ClinVar variation 49287 (VCV000049287.3), dbSNP rs137854273, ClinGen allele CA020076.